The following is an entry in ClinVar:

ClinVar aggregate classification (germline): Uncertain significance (1 of 4 stars; one submission).

Submission:

Ambry Genetics
Classification: Uncertain significance. Last evaluated: 2023-05-20. Review status: criteria provided, single submitter. Criteria: Ambry Variant Classification Scheme 2023. Collection method: clinical testing. Allele origin: germline.
Comment: The p.P690L variant (also known as c.2069C>T), located in coding exon 13 of the NPAT gene, results from a C to T substitution at nucleotide position 2069. The proline at codon 690 is replaced by leucine, an amino acid with similar properties. This amino acid position is conserved. In addition, this alteration is predicted to be tolerated by in silico analysis. Since supporting evidence is limited at this time, the clinical significance of this alteration remains unclear.

NM_002519.3(NPAT):c.2069C>T (p.Pro690Leu)

Gene: NPAT (nuclear protein, coactivator of histone transcription; minus strand). Cytogenetic location: 11q22.3.
Variant type: single nucleotide variant.
Coding change: c.2069C>T on transcript NM_002519.3 (MANE Select); coding-DNA position 2069, C replaced by T.
Protein change: p.Pro690Leu; replaces proline 690 with leucine.
Molecular consequence: missense variant.
Genome position (GRCh38, 1-based): chr11:108,172,915, G>A on the plus strand (C>T on the coding strand, the complement: NPAT is on the minus strand). VCF-style: chr11-108172915-G-A. GRCh37 (hg19) VCF-style: chr11-108043642-G-A.
Other names: c.2069C>T, p.Pro690Leu (NM_001321307.1); short protein forms P690L.
Identifiers: ClinVar variation 2568007 (VCV002568007.2), dbSNP rs2496718827, ClinGen allele CA382513752.